The following is an entry in ClinVar:

ClinVar aggregate classification (germline): Uncertain significance (1 of 4 stars; one submission).

Submission:

GeneDx
Classification: Uncertain significance. Last evaluated: 2025-04-15. Review status: criteria provided, single submitter. Criteria: GeneDx Variant Classification Process June 2021. Collection method: clinical testing. Allele origin: germline. Affected: yes.
Comment: Not observed at significant frequency in large population cohorts (gnomAD); In silico analysis indicates that this missense variant does not alter protein structure/function; Has not been previously published as pathogenic or benign to our knowledge

NM_006914.4(RORB):c.293A>G (p.Gln98Arg)

Gene: RORB (RAR related orphan receptor B; plus strand). Cytogenetic location: 9q21.13.
Variant type: single nucleotide variant.
Coding change: c.293A>G on transcript NM_006914.4 (MANE Select); coding-DNA position 293, A replaced by G.
Protein change: p.Gln98Arg; replaces glutamine 98 with arginine.
Molecular consequence: missense variant.
Genome position (GRCh38, 1-based): chr9:74,642,471, A>G. VCF-style: chr9-74642471-A-G. GRCh37 (hg19) VCF-style: chr9-77257387-A-G.
Other names: c.326A>G, p.Gln109Arg (NM_001365023.1); short protein forms Q109R, Q98R.
Identifiers: ClinVar variation 4282242 (VCV004282242.1).